The following is an entry in ClinVar:

NM_002227.4(JAK1):c.2919C>A (p.Asn973Lys)

Gene: JAK1 (Janus kinase 1; minus strand). Cytogenetic location: 1p31.3.
Variant type: single nucleotide variant.
Coding change: c.2919C>A on transcript NM_002227.4 (MANE Select); coding-DNA position 2919, C replaced by A.
Protein change: p.Asn973Lys; replaces asparagine 973 with lysine.
Molecular consequence: missense variant.
Genome position (GRCh38, 1-based): chr1:64,838,513, G>T on the plus strand (C>A on the coding strand, the complement: JAK1 is on the minus strand). VCF-style: chr1-64838513-G-T. GRCh37 (hg19) VCF-style: chr1-65304196-G-T.
Other names: c.2919C>A, p.Asn973Lys (NM_001320923.2, NM_001321852.2, NM_001321853.2 and 3 more transcripts); c.2916C>A, p.Asn972Lys (NM_001321857.2); short protein forms N973K, N972K.
Identifiers: ClinVar variation 1984131 (VCV001984131.4), dbSNP rs34680086, ClinGen allele CA892563.

ClinVar aggregate classification (germline): Uncertain significance (1 of 4 stars; one submission).

Allele frequency attached by ClinVar (database versions not stated): gnomAD exomes 0.00001; gnomAD 0.00003; TOPMed 0.00005; ExAC 0.00006; 1000 Genomes Project 0.00040; 1000 Genomes Project 30x 0.00047.
gnomAD v4.1: 25 of 1,613,836 alleles (0.0015%); highest among the groups gnomAD compares: East Asian, 0.042%; no homozygotes.

Submission:

Labcorp Genetics (formerly Invitae), Labcorp
Classification: Uncertain significance. Last evaluated: 2025-06-23. Review status: criteria provided, single submitter. Criteria: Invitae Variant Classification Sherloc (09022015). Collection method: clinical testing. Allele origin: germline.
Comment: This sequence change replaces asparagine, which is neutral and polar, with lysine, which is basic and polar, at codon 973 of the JAK1 protein (p.Asn973Lys). This variant is present in population databases (rs34680086, gnomAD 0.06%). This variant has not been reported in the literature in individuals affected with JAK1-related conditions. ClinVar contains an entry for this variant (Variation ID: 1984131). Invitae Evidence Modeling of protein sequence and biophysical properties (such as structural, functional, and spatial information, amino acid conservation, physicochemical variation, residue mobility, and thermodynamic stability) indicates that this missense variant is not expected to disrupt JAK1 protein function with a negative predictive value of 80%. In summary, the available evidence is currently insufficient to determine the role of this variant in disease. Therefore, it has been classified as a Variant of Uncertain Significance.